The following is an entry in ClinVar:

NM_030665.4(RAI1):c.4118G>A (p.Gly1373Asp)

Gene: RAI1 (retinoic acid induced 1; plus strand). Cytogenetic location: 17p11.2.
Variant type: single nucleotide variant.
Coding change: c.4118G>A on transcript NM_030665.4 (MANE Select); coding-DNA position 4118, G replaced by A.
Protein change: p.Gly1373Asp; replaces glycine 1373 with aspartic acid.
Molecular consequence: missense variant.
Genome position (GRCh38, 1-based): chr17:17,797,066, G>A. VCF-style: chr17-17797066-G-A. GRCh37 (hg19) VCF-style: chr17-17700380-G-A.
Other names: short protein forms G1373D.
Identifiers: ClinVar variation 2847468 (VCV002847468.3), dbSNP rs2543617592, ClinGen allele CA398555756.

ClinVar aggregate classification (germline): Uncertain significance (1 of 4 stars; one submission).

Submission:

Labcorp Genetics (formerly Invitae), Labcorp
Classification: Uncertain significance. Last evaluated: 2023-03-19. Review status: criteria provided, single submitter. Criteria: Invitae Variant Classification Sherloc (09022015). Collection method: clinical testing. Allele origin: germline.
Comment: This sequence change replaces glycine, which is neutral and non-polar, with aspartic acid, which is acidic and polar, at codon 1373 of the RAI1 protein (p.Gly1373Asp). This variant is not present in population databases (gnomAD no frequency). This variant has not been reported in the literature in individuals affected with RAI1-related conditions. Advanced modeling of protein sequence and biophysical properties (such as structural, functional, and spatial information, amino acid conservation, physicochemical variation, residue mobility, and thermodynamic stability) performed at Invitae indicates that this missense variant is not expected to disrupt RAI1 protein function. In summary, the available evidence is currently insufficient to determine the role of this variant in disease. Therefore, it has been classified as a Variant of Uncertain Significance.